The following is an entry in ClinVar:

NM_002335.4(LRP5):c.4479del (p.Tyr1494fs)

Gene: LRP5 (LDL receptor related protein 5; plus strand). Cytogenetic location: 11q13.2.
Variant type: Deletion.
Coding change: c.4479del on transcript NM_002335.4 (MANE Select); coding-DNA position 4479, one base deleted (G; older notation c.4479delG).
Protein change: p.Tyr1494fs; shifts the reading frame from tyrosine 1494.
Molecular consequence: frameshift variant.
Genome position (GRCh38, 1-based): chr11:68,439,907, G deleted. VCF-style (leftmost placement, unchanged base first): chr11-68439906-TG-T. GRCh37 (hg19) VCF-style: chr11-68207374-TG-T.
Other names: c.2736del, p.Tyr913fs (NM_001291902.2); short protein forms Y1494fs, Y913fs.
Identifiers: ClinVar variation 3382244 (VCV003382244.2).

ClinVar aggregate classification (germline): Pathogenic (1 of 4 stars; one submission).

Conditions:
Exudative vitreoretinopathy 4 (EVR4). Identifiers: Orphanet 891, MedGen C1866176, MONDO:0011151, OMIM 601813.

Submission:

Juno Genomics, Hangzhou Juno Genomics, Inc
Classification: Pathogenic for Exudative vitreoretinopathy 4. Review status: criteria provided, single submitter. Criteria: ACMG Guidelines, 2015. Collection method: clinical testing. Allele origin: germline. Affected: yes.
Comment: Absent from controls (or at extremely low frequency if recessive) in Genome Aggregation Database, Exome Sequencing Project, 1000 Genomes Project, or Exome Aggregation Consortium.;Null variant in a gene where loss of function (LOF) is a known mechanism of disease.;Patient's phenotype or family history is highly specific for a disease with a single genetic etiology.